The following is an entry in ClinVar:

ClinVar aggregate classification (germline): Uncertain significance (1 of 4 stars; one submission).

Conditions:
Pheochromocytoma. Also called: MAX-Related Hereditary Paraganglioma-Pheochromocytoma Syndrome. Identifiers: Orphanet 29072, MedGen C0031511, MONDO:0008233, OMIM 171300, HP:0002666.
Pheochromocytoma/paraganglioma syndrome 4. Also called: PARAGANGLIOMA, FAMILIAL MALIGNANT; PARAGANGLIOMAS, HEREDITARY EXTRAADRENAL; PHEOCHROMOCYTOMA, FAMILIAL EXTRAADRENAL; SDHB-Related Hereditary Paraganglioma-Pheochromocytoma Syndrome (Paragangliomas 4); CAROTID BODY TUMORS AND MULTIPLE EXTRAADRENAL PHEOCHROMOCYTOMAS; SDHB-Related Hereditary Paraganglioma-Pheochromocytoma Syndrome. Identifiers: Orphanet 29072, MedGen C1861848, MONDO:0007273, OMIM 115310.
Gastrointestinal stromal tumor. Also called: Gastrointestinal stromal tumor, somatic; Gastrointestinal stroma tumor. Identifiers: Orphanet 44890, MedGen C0238198, MeSH D046152, MONDO:0011719, OMIM 606764, HP:0100723.

Submission:

Labcorp Genetics (formerly Invitae), Labcorp
Classification: Uncertain significance for Gastrointestinal stroma tumor; Paragangliomas 4; Pheochromocytoma. Last evaluated: 2019-07-25. Review status: criteria provided, single submitter. Criteria: Invitae Variant Classification Sherloc (09022015). Collection method: clinical testing. Allele origin: germline.
Comment: This variant results in a copy number gain of the genomic region encompassing the full coding sequence of the SDHB gene. The boundaries of this event are unknown as they extend beyond the assayed region for this gene and therefore may encompass additional genes. As the precise location of this event is unknown, it may be in tandem or it may be located elsewhere in the genome. This gross duplication has not been reported in the literature in individuals with SDHB-related conditions. Experimental studies and prediction algorithms are not available for this variant, and the functional significance of this duplication is currently unknown. In summary, the available evidence is currently insufficient to determine the role of this variant in disease. Therefore, it has been classified as a Variant of Uncertain Significance.

NC_000001.10:g.(?_17345366)_(17380524_?)dup

Genes: SDHB (succinate dehydrogenase complex iron sulfur subunit B; minus strand), LOC129929541 (ATAC-STARR-seq lymphoblastoid active region 276; plus strand), LOC129929542 (ATAC-STARR-seq lymphoblastoid active region 277; plus strand). Cytogenetic location: 1p36.13.
Variant type: Duplication.
Identifiers: ClinVar variation 584357 (VCV000584357.3).